The following is an entry in ClinVar:

NM_001122752.2(SERPINI1):c.881+4T>G

Gene: SERPINI1 (serpin family I member 1; plus strand). Cytogenetic location: 3q26.1.
Variant type: single nucleotide variant.
Coding change: c.881+4T>G on transcript NM_001122752.2 (MANE Select); 4 bases into the intron after coding-DNA position 881, T replaced by G.
Molecular consequence: intron variant.
Genome position (GRCh38, 1-based): chr3:167,794,828, T>G. VCF-style: chr3-167794828-T-G. GRCh37 (hg19) VCF-style: chr3-167512616-T-G.
Other names: c.881+4T>G (NM_005025.5).
Identifiers: ClinVar variation 657482 (VCV000657482.8), dbSNP rs766034834, ClinGen allele CA2694898.

ClinVar aggregate classification (germline): Uncertain significance (1 of 4 stars; one submission).

Conditions:
Familial encephalopathy with neuroserpin inclusion bodies. Also called: ENCEPHALOPATHY, FAMILIAL, WITH COLLINS BODIES. Identifiers: Orphanet 85110, MedGen C1858680, MONDO:0011412, OMIM 604218.

Allele frequency attached by ClinVar (database versions not stated): ExAC 0.00001; gnomAD 0.00001 and 0.00002; gnomAD exomes 0.00001 and 0.00002; TOPMed 0.00002.
gnomAD v4.1: 27 of 1,611,948 alleles (0.0017%); highest among the groups gnomAD compares: Non-Finnish European, 0.0022%; no homozygotes.

Submission:

Labcorp Genetics (formerly Invitae), Labcorp
Classification: Uncertain significance for Familial encephalopathy with neuroserpin inclusion bodies. Last evaluated: 2024-03-07. Review status: criteria provided, single submitter. Criteria: Invitae Variant Classification Sherloc (09022015). Collection method: clinical testing. Allele origin: germline.
Comment: This sequence change falls in intron 5 of the SERPINI1 gene. It does not directly change the encoded amino acid sequence of the SERPINI1 protein. It affects a nucleotide within the consensus splice site. This variant is present in population databases (rs766034834, gnomAD 0.002%). This variant has not been reported in the literature in individuals affected with SERPINI1-related conditions. ClinVar contains an entry for this variant (Variation ID: 657482). Variants that disrupt the consensus splice site are a relatively common cause of aberrant splicing (PMID: 17576681, 9536098). Algorithms developed to predict the effect of sequence changes on RNA splicing suggest that this variant is not likely to affect RNA splicing. In summary, the available evidence is currently insufficient to determine the role of this variant in disease. Therefore, it has been classified as a Variant of Uncertain Significance.

Literature cited by the submitters: PubMed 17576681; PubMed 9536098.